The following is an entry in ClinVar:

NM_000548.5(TSC2):c.3859C>T (p.Leu1287=)

Gene: TSC2 (TSC complex subunit 2; plus strand). Cytogenetic location: 16p13.3.
Variant type: single nucleotide variant.
Coding change: c.3859C>T on transcript NM_000548.5 (MANE Select); coding-DNA position 3859, C replaced by T.
Protein change: p.Leu1287=; no amino-acid change (leucine 1287 retained).
Molecular consequence: synonymous variant. On other transcripts: non-coding transcript variant (1), intron variant (33).
Genome position (GRCh38, 1-based): chr16:2,082,480, C>T. VCF-style: chr16-2082480-C-T. GRCh37 (hg19) VCF-style: chr16-2132481-C-T.
Other names: c.3127C>T, p.Leu1043= (NM_001318831.2); c.3727C>T, p.Leu1243= (NM_001370404.1, NM_001406665.1); c.3730C>T, p.Leu1244= (NM_001370405.1, NM_021055.3); c.3856C>T, p.Leu1286= (NM_001406663.1); c.3259C>T, p.Leu1087= (NM_001406680.1); c.2386C>T, p.Leu796= (NM_001406690.1); c.2383C>T, p.Leu795= (NM_001406691.1); c.2341+682C>T (NM_001406693.1, NM_001406692.1, NM_001406694.1); and 25 more.
Identifiers: ClinVar variation 2102811 (VCV002102811.6), dbSNP rs1425321534, ClinGen allele CA492955753.
Genomic context (GRCh38, chr16:2,082,480, plus strand): 5'-CGGCCTTCCCTTGCAGTGGCCTCTTTCTCCTCCCTGTACCAGTCCAGCTGCCAAGGACAG[C>T]TGCACAGGAGCGTTTCCTGGGCAGGTATCGCCTCTCAGAGGGAAGCGGTTGGCTGCAGAG-3'
Protein context (NP_000539.2, residues 1277-1297): SLYQSSCQGQ[Leu1287=]HRSVSWADSA

ClinVar aggregate classification (germline): Benign/Likely benign. Review status: criteria provided, multiple submitters, no conflicts (2 of 4 stars). 3 submissions from 3 submitters: Benign (2); Likely benign (1). Last evaluated 2025-05-30.

Conditions:
Tuberous sclerosis 2 (TSC2). Identifiers: Orphanet 805, MedGen C1860707, MONDO:0013199, OMIM 613254.
Hereditary cancer-predisposing syndrome. Also called: Hereditary Cancer Syndrome; Tumor predisposition; Neoplastic Syndromes, Hereditary; Hereditary neoplastic syndrome. Identifiers: Orphanet 140162, MedGen C0027672, MeSH D009386, MONDO:0015356.

Allele frequency attached by ClinVar (database versions not stated): gnomAD exomes below 0.00001; gnomAD 0.00001.
gnomAD v4.1: 2 of 1,612,220 alleles (0.00012%); highest among the groups gnomAD compares: African/African-American, 0.0013%; no homozygotes.

Submissions (3):

Myriad Genetics, Inc.
Classification: Benign for Tuberous sclerosis 2. Last evaluated: 2025-05-30. Review status: criteria provided, single submitter. Criteria: Myriad Autosomal Dominant, Autosomal Recessive and X-Linked Classification Criteria (2023). Collection method: clinical testing. Allele origin: unknown.
Comment: This variant is considered benign. This variant is a silent/synonymous amino acid change and it is not expected to impact splicing.

Ambry Genetics
Classification: Likely benign for Hereditary cancer-predisposing syndrome. Last evaluated: 2024-01-26. Review status: criteria provided, single submitter. Criteria: Ambry Variant Classification Scheme 2023. Collection method: clinical testing. Allele origin: germline.

Labcorp Genetics (formerly Invitae), Labcorp
Classification: Benign for Tuberous sclerosis 2. Last evaluated: 2022-02-24. Review status: criteria provided, single submitter. Criteria: Invitae Variant Classification Sherloc (09022015). Collection method: clinical testing. Allele origin: germline.